The following is an entry in ClinVar:

NM_001375834.1(WIPF1):c.694G>A (p.Gly232Arg)

Gene: WIPF1 (WAS/WASL interacting protein family member 1; minus strand). Cytogenetic location: 2q31.1.
Variant type: single nucleotide variant.
Coding change: c.694G>A on transcript NM_001375834.1 (MANE Select); coding-DNA position 694, G replaced by A.
Protein change: p.Gly232Arg; replaces glycine 232 with arginine.
Molecular consequence: missense variant.
Genome position (GRCh38, 1-based): chr2:174,572,111, C>T on the plus strand (G>A on the coding strand, the complement: WIPF1 is on the minus strand). VCF-style: chr2-174572111-C-T. GRCh37 (hg19) VCF-style: chr2-175436839-C-T.
Other names: c.694G>A, p.Gly232Arg (NM_001375832.1, NM_001375833.1, NM_001375835.1 and 5 more transcripts); c.316G>A, p.Gly106Arg (NM_001375839.1); short protein forms G106R, G232R.
Identifiers: ClinVar variation 1373146 (VCV001373146.5), dbSNP rs376855242, ClinGen allele CA1974073.
Genomic context (GRCh38, chr2:174,572,111, plus strand): 5'-GGGGAGGCCGGTTGGAGAAGGGCGAGGAGGAGCTCAAGGGGGACTGACGTATTGAGCCTC[C>T]TCCCAAAGCAGTGCCGCGGTTTCCAGGGAAAGGGGGAGGAGTGGGCCCGGGGCTGGGCTG-3'
Protein context (NP_001362763.1, residues 222-242): FPGNRGTALG[Gly232Arg]GSIRQSPLSS

ClinVar aggregate classification (germline): Uncertain significance. Review status: criteria provided, multiple submitters, no conflicts (2 of 4 stars). 2 submissions from 2 submitters: Uncertain significance (2). Last evaluated 2025-08-29.

Conditions:
Wiskott-Aldrich syndrome 2 (WAS2). Also called: WIPF1 DEFICIENCY. Identifiers: Orphanet 906, MedGen C3281001, MONDO:0013779, OMIM 614493.
Inborn genetic diseases. Identifiers: MedGen C0950123, MeSH D030342.

Allele frequency attached by ClinVar (database versions not stated): gnomAD 0.00008 and 0.00011; TOPMed 0.00008; gnomAD exomes 0.00010 and 0.00018; ESP Exome Variant Server 0.00015; ExAC 0.00029.

Submissions (2):

Ambry Genetics
Classification: Uncertain significance for Inborn genetic diseases. Last evaluated: 2025-08-29. Review status: criteria provided, single submitter. Criteria: Ambry Variant Classification Scheme 2023. Collection method: clinical testing. Allele origin: germline.

Labcorp Genetics (formerly Invitae), Labcorp
Classification: Uncertain significance for Wiskott-Aldrich syndrome 2. Last evaluated: 2021-12-18. Review status: criteria provided, single submitter. Criteria: Invitae Variant Classification Sherloc (09022015). Collection method: clinical testing. Allele origin: germline.
Comment: This sequence change replaces glycine, which is neutral and non-polar, with arginine, which is basic and polar, at codon 232 of the WIPF1 protein (p.Gly232Arg). This variant is present in population databases (rs376855242, gnomAD 0.03%). This variant has not been reported in the literature in individuals affected with WIPF1-related conditions. Algorithms developed to predict the effect of missense changes on protein structure and function are either unavailable or do not agree on the potential impact of this missense change (SIFT: "Not Available"; PolyPhen-2: "Possibly Damaging"; Align-GVGD: "Not Available"). In summary, the available evidence is currently insufficient to determine the role of this variant in disease. Therefore, it has been classified as a Variant of Uncertain Significance.